The following is an entry in ClinVar:

ClinVar aggregate classification (germline): Likely benign. Review status: criteria provided, single submitter (1 of 4 stars). 2 submissions from 2 submitters: Likely benign (1). 1 of the submissions does not count toward it. Last evaluated 2025-08-31.

Conditions:
TBCE-related disorder. Also called: TBCE-related disorders; TBCE-related condition.

Allele frequency attached by ClinVar (database versions not stated): ExAC 0.00003; gnomAD exomes 0.00003 and 0.00005; ESP Exome Variant Server 0.00008; gnomAD 0.00018 and 0.00019; TOPMed 0.00025.
gnomAD v4.1: 83 of 1,614,076 alleles (0.0051%); highest among the groups gnomAD compares: Admixed American, 0.028%; no homozygotes.

Submissions (2):

Labcorp Genetics (formerly Invitae), Labcorp
Classification: Likely benign. Last evaluated: 2025-08-31. Review status: criteria provided, single submitter. Criteria: Invitae Variant Classification Sherloc (09022015). Collection method: clinical testing. Allele origin: germline.

PreventionGenetics, part of Exact Sciences
Classification: Likely benign for TBCE-related condition. Last evaluated: 2019-06-17. Review status: no assertion criteria provided. Collection method: clinical testing. Allele origin: germline. Not counted in ClinVar's aggregate classification.
Comment: This variant is classified as likely benign based on ACMG/AMP sequence variant interpretation guidelines (Richards et al. 2015 PMID: 25741868, with internal and published modifications).

NM_003193.5(TBCE):c.1206G>A (p.Pro402=)

Gene: TBCE (tubulin folding cofactor E; plus strand). Cytogenetic location: 1q42.3.
Variant type: single nucleotide variant.
Coding change: c.1206G>A on transcript NM_003193.5 (MANE Select); coding-DNA position 1206, G replaced by A.
Protein change: p.Pro402=; no amino-acid change (proline 402 retained).
Molecular consequence: synonymous variant.
Genome position (GRCh38, 1-based): chr1:235,438,858, G>A. VCF-style: chr1-235438858-G-A. GRCh37 (hg19) VCF-style: chr1-235602173-G-A.
Other names: c.1206G>A, p.Pro402= (NM_001079515.3); c.1359G>A, p.Pro453= (NM_001287801.2); c.867G>A, p.Pro289= (NM_001287802.2); c.1359G>A (NM_001287801.1).
Identifiers: ClinVar variation 1612337 (VCV001612337.10), dbSNP rs369000163, ClinGen allele CA1464376.